The following is an entry in ClinVar:

ClinVar aggregate classification (germline): Benign. Review status: criteria provided, multiple submitters, no conflicts (2 of 4 stars). 4 submissions from 4 submitters: Benign (4). Last evaluated 2026-02-01.

Conditions:
Oculotrichoanal syndrome (MOTA). Also called: MARLES SYNDROME; Manitoba Oculotrichoanal (MOTA) Syndrome. Identifiers: Orphanet 2717, MedGen C1855425, MONDO:0009560, OMIM 248450.

Allele frequency attached by ClinVar (database versions not stated): gnomAD exomes 0.00859 and 0.00385; ExAC 0.02224; ESP Exome Variant Server 0.03131; gnomAD 0.03244 and 0.03461; TOPMed 0.03579; 1000 Genomes Project 0.03694; 1000 Genomes Project 30x 0.03935.
gnomAD v4.1: 10,695 of 1,585,630 alleles (0.67%); highest among the groups gnomAD compares: African/African-American, 11%; 480 homozygotes.

Submissions (4):

Labcorp Genetics (formerly Invitae), Labcorp
Classification: Benign. Last evaluated: 2026-02-01. Review status: criteria provided, single submitter. Criteria: Invitae Variant Classification Sherloc (09022015). Collection method: clinical testing. Allele origin: germline.

GeneDx
Classification: Benign. Last evaluated: 2021-05-05. Review status: criteria provided, single submitter. Criteria: GeneDx Variant Classification Process June 2021. Collection method: clinical testing. Allele origin: germline. Affected: yes.

Illumina Laboratory Services, Illumina
Classification: Benign for Oculotrichoanal syndrome. Last evaluated: 2018-01-13. Review status: criteria provided, single submitter. Criteria: ICSL Variant Classification Criteria 13 December 2019. Collection method: clinical testing. Allele origin: germline.
Comment: This variant was observed in the ICSL laboratory as part of a predisposition screen in an ostensibly healthy population. It had not been previously curated by ICSL or reported in the Human Gene Mutation Database (HGMD: prior to June 1st, 2018), and was therefore a candidate for classification through an automated scoring system. Utilizing variant allele frequency, disease prevalence and penetrance estimates, and inheritance mode, an automated score was calculated to assess if this variant is too frequent to cause the disease. Based on the score and internal cut-off values, a variant classified as benign is not then subjected to further curation. The score for this variant resulted in a classification of benign for this disease.

Breakthrough Genomics
Classification: Benign. Review status: criteria provided, single submitter. Criteria: ACMG Guidelines, 2015. Collection method: not provided. Allele origin: germline. Inheritance: Autosomal recessive inheritance. Affected: yes.

NM_001379081.2(FREM1):c.2104A>G (p.Met702Val)

Gene: FREM1 (FRAS1 related extracellular matrix 1; minus strand). Cytogenetic location: 9p22.3.
Variant type: single nucleotide variant.
Coding change: c.2104A>G on transcript NM_001379081.2 (MANE Select); coding-DNA position 2104, A replaced by G.
Protein change: p.Met702Val; replaces methionine 702 with valine.
Molecular consequence: missense variant. On other transcripts: non-coding transcript variant (2).
Genome position (GRCh38, 1-based): chr9:14,824,090, T>C on the plus strand (A>G on the coding strand, the complement: FREM1 is on the minus strand). VCF-style: chr9-14824090-T-C. GRCh37 (hg19) VCF-style: chr9-14824088-T-C.
Other names: c.2104A>G, p.Met702Val (NM_144966.7); short protein forms M702V.
Identifiers: ClinVar variation 366152 (VCV000366152.14), dbSNP rs7864984, ClinGen allele CA4991035.